The following is an entry in ClinVar:

ClinVar aggregate classification (germline): Uncertain significance (1 of 4 stars; one submission).

gnomAD v4.1: 3 of 1,608,066 alleles (0.00019%); highest among the groups gnomAD compares: East Asian, 0.0067%; no homozygotes.

Submission:

Labcorp Genetics (formerly Invitae), Labcorp
Classification: Uncertain significance. Last evaluated: 2024-02-12. Review status: criteria provided, single submitter. Criteria: Invitae Variant Classification Sherloc (09022015). Collection method: clinical testing. Allele origin: germline.
Comment: This sequence change replaces leucine, which is neutral and non-polar, with valine, which is neutral and non-polar, at codon 192 of the ATP6V1A protein (p.Leu192Val). This variant is not present in population databases (gnomAD no frequency). This variant has not been reported in the literature in individuals affected with ATP6V1A-related conditions. Advanced modeling of protein sequence and biophysical properties (such as structural, functional, and spatial information, amino acid conservation, physicochemical variation, residue mobility, and thermodynamic stability) performed at Invitae indicates that this missense variant is not expected to disrupt ATP6V1A protein function with a negative predictive value of 80%. In summary, the available evidence is currently insufficient to determine the role of this variant in disease. Therefore, it has been classified as a Variant of Uncertain Significance.

NM_001690.4(ATP6V1A):c.574T>G (p.Leu192Val)

Gene: ATP6V1A (ATPase H+ transporting V1 subunit A; plus strand). Cytogenetic location: 3q13.31.
Variant type: single nucleotide variant.
Coding change: c.574T>G on transcript NM_001690.4 (MANE Select); coding-DNA position 574, T replaced by G.
Protein change: p.Leu192Val; replaces leucine 192 with valine.
Molecular consequence: missense variant.
Genome position (GRCh38, 1-based): chr3:113,786,241, T>G. VCF-style: chr3-113786241-T-G. GRCh37 (hg19) VCF-style: chr3-113505088-T-G.
Other names: short protein forms L192V.
Identifiers: ClinVar variation 3693628 (VCV003693628.2).